The following is an entry in ClinVar:

NM_000091.5(COL4A3):c.4459C>A (p.Leu1487Ile)

Genes: COL4A3 (collagen type IV alpha 3 chain; plus strand), MFF-DT (MFF divergent transcript; minus strand). Cytogenetic location: 2q36.3.
Variant type: single nucleotide variant.
Coding change: c.4459C>A on transcript NM_000091.5 (MANE Select); coding-DNA position 4459, C replaced by A.
Protein change: p.Leu1487Ile; replaces leucine 1487 with isoleucine.
Molecular consequence: missense variant.
Genome position (GRCh38, 1-based): chr2:227,307,916, C>A. VCF-style: chr2-227307916-C-A. GRCh37 (hg19) VCF-style: chr2-228172632-C-A.
Other names: short protein forms L1487I.
Identifiers: ClinVar variation 2122138 (VCV002122138.1), dbSNP rs2469932081, ClinGen allele CA350864531.

ClinVar aggregate classification (germline): Uncertain significance (1 of 4 stars; one submission).

Allele frequency attached by ClinVar (database versions not stated): gnomAD exomes below 0.00001.
gnomAD v4.1: 2 of 1,613,900 alleles (0.00012%); highest among the groups gnomAD compares: Non-Finnish European, 0.00017%; no homozygotes.

Submission:

Labcorp Genetics (formerly Invitae), Labcorp
Classification: Uncertain significance. Last evaluated: 2022-04-29. Review status: criteria provided, single submitter. Criteria: Invitae Variant Classification Sherloc (09022015). Collection method: clinical testing. Allele origin: germline.
Comment: This sequence change replaces leucine, which is neutral and non-polar, with isoleucine, which is neutral and non-polar, at codon 1487 of the COL4A3 protein (p.Leu1487Ile). This variant is not present in population databases (gnomAD no frequency). This variant has not been reported in the literature in individuals affected with COL4A3-related conditions. Advanced modeling of protein sequence and biophysical properties (such as structural, functional, and spatial information, amino acid conservation, physicochemical variation, residue mobility, and thermodynamic stability) performed at Invitae indicates that this missense variant is not expected to disrupt COL4A3 protein function. In summary, the available evidence is currently insufficient to determine the role of this variant in disease. Therefore, it has been classified as a Variant of Uncertain Significance.